The following is an entry in ClinVar:

ClinVar aggregate classification (germline): Uncertain significance (1 of 4 stars; one submission).

Conditions:
Neuropathy, hereditary sensory and autonomic, type 2A (HSAN2A). Also called: WNK1-Related HSAN2 (HSAN2A); NEUROPATHY, CONGENITAL SENSORY; NEUROPATHY, HEREDITARY SENSORY RADICULAR, AUTOSOMAL RECESSIVE; NEUROPATHY, HEREDITARY SENSORY, TYPE IIA; NEUROPATHY, PROGRESSIVE SENSORY, OF CHILDREN; HSAN IIA. Identifiers: Orphanet 970, MedGen C2752089, MONDO:0024309, OMIM 201300.
Generalized epilepsy with febrile seizures plus, type 7 (GEFSP7). Also called: GEFS+, TYPE 7. Identifiers: Orphanet 36387, MedGen C2751778, MONDO:0013470, OMIM 613863.

Submission:

Labcorp Genetics (formerly Invitae), Labcorp
Classification: Uncertain significance for Neuropathy, hereditary sensory and autonomic, type 2A; Generalized epilepsy with febrile seizures plus, type 7. Last evaluated: 2021-03-12. Review status: criteria provided, single submitter. Criteria: Invitae Variant Classification Sherloc (09022015). Collection method: clinical testing. Allele origin: germline.
Comment: This sequence change replaces lysine with arginine at codon 1335 of the SCN9A protein (p.Lys1335Arg). The lysine residue is highly conserved and there is a small physicochemical difference between lysine and arginine. This variant is not present in population databases (ExAC no frequency). This variant has not been reported in the literature in individuals with SCN9A-related conditions. Algorithms developed to predict the effect of missense changes on protein structure and function (SIFT, PolyPhen-2, Align-GVGD) all suggest that this variant is likely to be disruptive, but these predictions have not been confirmed by published functional studies and their clinical significance is uncertain. Algorithms developed to predict the effect of sequence changes on RNA splicing suggest that this variant may create or strengthen a splice site, but this prediction has not been confirmed by published transcriptional studies. In summary, the available evidence is currently insufficient to determine the role of this variant in disease. Therefore, it has been classified as a Variant of Uncertain Significance.

NM_001365536.1(SCN9A):c.4037A>G (p.Lys1346Arg)

Genes: SCN1A-AS1 (SCN1A and SCN9A antisense RNA 1; plus strand), SCN9A (sodium voltage-gated channel alpha subunit 9; minus strand). Cytogenetic location: 2q24.3.
Variant type: single nucleotide variant.
Coding change: c.4037A>G on transcript NM_001365536.1 (MANE Select); coding-DNA position 4037, A replaced by G.
Protein change: p.Lys1346Arg; replaces lysine 1346 with arginine.
Molecular consequence: missense variant.
Genome position (GRCh38, 1-based): chr2:166,228,860, T>C on the plus strand (A>G on the coding strand, the complement: SCN9A is on the minus strand). VCF-style: chr2-166228860-T-C. GRCh37 (hg19) VCF-style: chr2-167085370-T-C.
Other names: c.4004A>G, p.Lys1335Arg (NM_002977.4); short protein forms K1346R, K1335R.
Identifiers: ClinVar variation 1509394 (VCV001509394.8), dbSNP rs2106387781, ClinGen allele CA349064077.